The following is an entry in ClinVar:

NM_004655.4(AXIN2):c.2105G>T (p.Arg702Leu)

Gene: AXIN2 (axin 2; minus strand). Cytogenetic location: 17q24.1.
Variant type: single nucleotide variant.
Coding change: c.2105G>T on transcript NM_004655.4 (MANE Select); coding-DNA position 2105, G replaced by T.
Protein change: p.Arg702Leu; replaces arginine 702 with leucine.
Molecular consequence: missense variant.
Genome position (GRCh38, 1-based): chr17:65,536,356, C>A on the plus strand (G>T on the coding strand, the complement: AXIN2 is on the minus strand). VCF-style: chr17-65536356-C-A. GRCh37 (hg19) VCF-style: chr17-63532474-C-A.
Other names: c.1910G>T, p.Arg637Leu (NM_001363813.1); c.2105G>T (NM_004655.3); short protein forms R637L, R702L.
Identifiers: ClinVar variation 1478084 (VCV001478084.9), dbSNP rs757100957, ClinGen allele CA400675975.

ClinVar aggregate classification (germline): Uncertain significance. Review status: criteria provided, multiple submitters, no conflicts (2 of 4 stars). 2 submissions from 2 submitters: Uncertain significance (2). Last evaluated 2022-12-15.

Conditions:
Hereditary cancer-predisposing syndrome. Also called: Tumor predisposition; Hereditary Cancer Syndrome; Hereditary neoplastic syndrome; Neoplastic Syndromes, Hereditary. Identifiers: Orphanet 140162, MedGen C0027672, MeSH D009386, MONDO:0015356.
Oligodontia-cancer predisposition syndrome. Also called: TOOTH AGENESIS-COLORECTAL CANCER SYNDROME. Identifiers: Orphanet 300576, MedGen C1837750, MONDO:0012075, OMIM 608615. Disease mechanism: loss of function.

Submissions (2):

Ambry Genetics
Classification: Uncertain significance for Hereditary cancer-predisposing syndrome. Last evaluated: 2022-12-15. Review status: criteria provided, single submitter. Criteria: Ambry Variant Classification Scheme 2023. Collection method: clinical testing. Allele origin: germline.
Comment: The p.R702L variant (also known as c.2105G>T), located in coding exon 7 of the AXIN2 gene, results from a G to T substitution at nucleotide position 2105. The arginine at codon 702 is replaced by leucine, an amino acid with dissimilar properties. This amino acid position is conserved. In addition, this alteration is predicted to be deleterious by in silico analysis. Since supporting evidence is limited at this time, the clinical significance of this alteration remains unclear.

Labcorp Genetics (formerly Invitae), Labcorp
Classification: Uncertain significance for Oligodontia-cancer predisposition syndrome. Last evaluated: 2021-03-17. Review status: criteria provided, single submitter. Criteria: Invitae Variant Classification Sherloc (09022015). Collection method: clinical testing. Allele origin: germline.
Comment: In summary, the available evidence is currently insufficient to determine the role of this variant in disease. Therefore, it has been classified as a Variant of Uncertain Significance. This sequence change replaces arginine with leucine at codon 702 of the AXIN2 protein (p.Arg702Leu). The arginine residue is highly conserved and there is a moderate physicochemical difference between arginine and leucine. This variant is not present in population databases (ExAC no frequency). This variant has not been reported in the literature in individuals with AXIN2-related conditions. Algorithms developed to predict the effect of missense changes on protein structure and function are either unavailable or do not agree on the potential impact of this missense change (SIFT: "Deleterious"; PolyPhen-2: "Probably Damaging"; Align-GVGD: "Class C15").